The following is an entry in ClinVar:

ClinVar aggregate classification (germline): Uncertain significance (1 of 4 stars; one submission).

Allele frequency attached by ClinVar (database versions not stated): TOPMed below 0.00001.
gnomAD v4.1: 3 of 1,614,034 alleles (0.00019%); highest among the groups gnomAD compares: Non-Finnish European, 0.00025%; no homozygotes.

Submission:

CeGaT Center for Human Genetics Tuebingen
Classification: Uncertain significance. Last evaluated: 2023-08-01. Review status: criteria provided, single submitter. Criteria: CeGaT Center For Human Genetics Tuebingen Variant Classification Criteria Version 2. Collection method: clinical testing. Allele origin: germline. Affected: yes. Observed: 1 variant allele.
Comment: MPV17: PM2

NM_002437.5(MPV17):c.37G>C (p.Ala13Pro)

Gene: MPV17 (mitochondrial inner membrane protein MPV17; minus strand). Cytogenetic location: 2p23.3.
Variant type: single nucleotide variant.
Coding change: c.37G>C on transcript NM_002437.5 (MANE Select); coding-DNA position 37, G replaced by C.
Protein change: p.Ala13Pro; replaces alanine 13 with proline.
Molecular consequence: missense variant.
Genome position (GRCh38, 1-based): chr2:27,322,481, C>G on the plus strand (G>C on the coding strand, the complement: MPV17 is on the minus strand). VCF-style: chr2-27322481-C-G. GRCh37 (hg19) VCF-style: chr2-27545348-C-G.
Other names: short protein forms A13P.
Identifiers: ClinVar variation 2578847 (VCV002578847.25), dbSNP rs1679896510, ClinGen allele CA346160983.